The following is an entry in ClinVar:

ClinVar aggregate classification (germline): Uncertain significance. Review status: criteria provided, multiple submitters, no conflicts (2 of 4 stars). 2 submissions from 2 submitters: Uncertain significance (2). Last evaluated 2024-08-27.

Conditions:
Hereditary cancer-predisposing syndrome. Also called: Neoplastic Syndromes, Hereditary; Hereditary neoplastic syndrome; Tumor predisposition; Hereditary Cancer Syndrome. Identifiers: Orphanet 140162, MedGen C0027672, MeSH D009386, MONDO:0015356.
Gastrointestinal stromal tumor. Also called: Gastrointestinal stromal tumor, somatic; Gastrointestinal stroma tumor. Identifiers: Orphanet 44890, MedGen C0238198, MeSH D046152, MONDO:0011719, OMIM 606764, HP:0100723.

Submissions (2):

Labcorp Genetics (formerly Invitae), Labcorp
Classification: Uncertain significance for Gastrointestinal stromal tumor. Last evaluated: 2024-08-27. Review status: criteria provided, single submitter. Criteria: Invitae Variant Classification Sherloc (09022015). Collection method: clinical testing. Allele origin: germline.
Comment: This sequence change replaces proline, which is neutral and non-polar, with leucine, which is neutral and non-polar, at codon 726 of the KIT protein (p.Pro726Leu). This variant is not present in population databases (gnomAD no frequency). This variant has not been reported in the literature in individuals affected with KIT-related conditions. An algorithm developed to predict the effect of missense changes on protein structure and function (PolyPhen-2) suggests that this variant is likely to be disruptive. In summary, the available evidence is currently insufficient to determine the role of this variant in disease. Therefore, it has been classified as a Variant of Uncertain Significance.

Ambry Genetics
Classification: Uncertain significance for Hereditary cancer-predisposing syndrome. Last evaluated: 2023-12-31. Review status: criteria provided, single submitter. Criteria: Ambry Variant Classification Scheme 2023. Collection method: clinical testing. Allele origin: germline.
Comment: The p.P726L variant (also known as c.2177C>T), located in coding exon 15 of the KIT gene, results from a C to T substitution at nucleotide position 2177. The proline at codon 726 is replaced by leucine, an amino acid with similar properties. This amino acid position is conserved. In addition, the in silico prediction for this alteration is inconclusive. Since supporting evidence is limited at this time, the clinical significance of this alteration remains unclear.

NM_000222.3(KIT):c.2177C>T (p.Pro726Leu)

Gene: KIT (KIT proto-oncogene, receptor tyrosine kinase; plus strand). Cytogenetic location: 4q12.
Variant type: single nucleotide variant.
Coding change: c.2177C>T on transcript NM_000222.3 (MANE Select); coding-DNA position 2177, C replaced by T.
Protein change: p.Pro726Leu; replaces proline 726 with leucine.
Molecular consequence: missense variant.
Genome position (GRCh38, 1-based): chr4:54,731,363, C>T. VCF-style: chr4-54731363-C-T. GRCh37 (hg19) VCF-style: chr4-55597529-C-T.
Other names: c.2165C>T, p.Pro722Leu (NM_001093772.2, NM_001385292.1); c.2180C>T, p.Pro727Leu (NM_001385284.1); c.2174C>T, p.Pro725Leu (NM_001385285.1); c.2162C>T, p.Pro721Leu (NM_001385286.1); c.2168C>T, p.Pro723Leu (NM_001385288.1); c.2177C>T, p.Pro726Leu (NM_001385290.1); short protein forms P722L, P725L, P726L, P727L, P721L, P723L.
Identifiers: ClinVar variation 2988422 (VCV002988422.4), dbSNP rs1200521882, ClinGen allele CA356910238.